The following is an entry in ClinVar:

NM_002618.4(PEX13):c.448A>G (p.Thr150Ala)

Gene: PEX13 (peroxisomal biogenesis factor 13; plus strand). Cytogenetic location: 2p15.
Variant type: single nucleotide variant.
Coding change: c.448A>G on transcript NM_002618.4 (MANE Select); coding-DNA position 448, A replaced by G.
Protein change: p.Thr150Ala; replaces threonine 150 with alanine.
Molecular consequence: missense variant.
Genome position (GRCh38, 1-based): chr2:61,031,774, A>G. VCF-style: chr2-61031774-A-G. GRCh37 (hg19) VCF-style: chr2-61258909-A-G.
Other names: short protein forms T150A.
Identifiers: ClinVar variation 2056204 (VCV002056204.1), dbSNP rs202104210, ClinGen allele CA1673301.

ClinVar aggregate classification (germline): Uncertain significance (1 of 4 stars; one submission).

Conditions:
Peroxisome biogenesis disorder 11A (Zellweger). Also called: Peroxisome biogenesis disorder 11A. Identifiers: Orphanet 912, MedGen C3554000, MONDO:0013949, OMIM 614883.

Allele frequency attached by ClinVar (database versions not stated): gnomAD 0.00001; gnomAD exomes 0.00001; ExAC 0.00002; TOPMed 0.00002.
gnomAD v4.1: 14 of 1,613,276 alleles (0.00087%); highest among the groups gnomAD compares: Non-Finnish European, 0.0011%; no homozygotes.

Submission:

Labcorp Genetics (formerly Invitae), Labcorp
Classification: Uncertain significance for Peroxisome biogenesis disorder 11A (Zellweger). Last evaluated: 2022-08-01. Review status: criteria provided, single submitter. Criteria: Invitae Variant Classification Sherloc (09022015). Collection method: clinical testing. Allele origin: germline.
Comment: This sequence change replaces threonine, which is neutral and polar, with alanine, which is neutral and non-polar, at codon 150 of the PEX13 protein (p.Thr150Ala). This variant is present in population databases (rs202104210, gnomAD 0.0009%). This variant has not been reported in the literature in individuals affected with PEX13-related conditions. Algorithms developed to predict the effect of missense changes on protein structure and function (SIFT, PolyPhen-2, Align-GVGD) all suggest that this variant is likely to be disruptive. In summary, the available evidence is currently insufficient to determine the role of this variant in disease. Therefore, it has been classified as a Variant of Uncertain Significance.